The following is an entry in ClinVar:

ClinVar aggregate classification (germline): Uncertain significance (1 of 4 stars; one submission).

Submission:

GeneDx
Classification: Uncertain significance. Last evaluated: 2026-01-22. Review status: criteria provided, single submitter. Criteria: GeneDx Variant Classification Process June 2021. Collection method: clinical testing. Allele origin: germline. Affected: yes.
Comment: Not observed at significant frequency in large population cohorts (gnomAD); In silico analysis supports that this missense variant has a deleterious effect on protein structure/function; Has not been previously published as pathogenic or benign to our knowledge; This substitution is predicted to be within the extracellular loop between the S5 and S6 transmembrane segments of the first homologous domain

NM_001330260.2(SCN8A):c.914A>G (p.Tyr305Cys)

Gene: SCN8A (sodium voltage-gated channel alpha subunit 8; plus strand). Cytogenetic location: 12q13.13.
Variant type: single nucleotide variant.
Coding change: c.914A>G on transcript NM_001330260.2 (MANE Select); coding-DNA position 914, A replaced by G.
Protein change: p.Tyr305Cys; replaces tyrosine 305 with cysteine.
Molecular consequence: missense variant.
Genome position (GRCh38, 1-based): chr12:51,699,777, A>G. VCF-style: chr12-51699777-A-G. GRCh37 (hg19) VCF-style: chr12-52093561-A-G.
Other names: c.914A>G, p.Tyr305Cys (NM_001177984.3, NM_001369788.1, NM_014191.4); short protein forms Y305C.
Identifiers: ClinVar variation 1723004 (VCV001723004.3), dbSNP rs1296360211, ClinGen allele CA385226819.